The following is an entry in ClinVar:

NM_001042492.3(NF1):c.4725-2A>T

Gene: NF1 (neurofibromin 1; plus strand). Cytogenetic location: 17q11.2.
Variant type: single nucleotide variant.
Coding change: c.4725-2A>T on transcript NM_001042492.3 (MANE Select); the canonical splice acceptor site of the intron before coding-DNA position 4725, A replaced by T.
Molecular consequence: splice acceptor variant.
Genome position (GRCh38, 1-based): chr17:31,265,227, A>T. VCF-style: chr17-31265227-A-T. GRCh37 (hg19) VCF-style: chr17-29592245-A-T.
Other names: c.4662-2A>T (NM_000267.4).
Identifiers: ClinVar variation 1456471 (VCV001456471.8), dbSNP rs1295045178, ClinGen allele CA399001136.

ClinVar aggregate classification (germline): Pathogenic (1 of 4 stars; one submission).

Conditions:
Neurofibromatosis, type 1 (NF1). Also called: Neurofibromatosis, type I; VON RECKLINGHAUSEN DISEASE; NEUROFIBROMATOSIS, TYPE I, SOMATIC; Peripheral type neurofibromatosis. Identifiers: Orphanet 636, MedGen C0027831, MONDO:0018975, OMIM 162200. Disease mechanism: loss of function.

Allele frequency attached by ClinVar (database versions not stated): TOPMed below 0.00001.

Submission:

Labcorp Genetics (formerly Invitae), Labcorp
Classification: Pathogenic for Neurofibromatosis, type 1. Last evaluated: 2023-03-10. Review status: criteria provided, single submitter. Criteria: Invitae Variant Classification Sherloc (09022015). Collection method: clinical testing. Allele origin: germline.
Comment: This sequence change affects an acceptor splice site in intron 34 of the NF1 gene. It is expected to disrupt RNA splicing. Variants that disrupt the donor or acceptor splice site typically lead to a loss of protein function (PMID: 16199547), and loss-of-function variants in NF1 are known to be pathogenic (PMID: 10712197, 23913538). This variant is not present in population databases (gnomAD no frequency). Disruption of this splice site has been observed in individuals with clinical features of neurofibromatosis type 1 (PMID: 31533651; Invitae). ClinVar contains an entry for this variant (Variation ID: 1456471). Algorithms developed to predict the effect of sequence changes on RNA splicing suggest that this variant may disrupt the consensus splice site. For these reasons, this variant has been classified as Pathogenic.

Literature cited by the submitters: PubMed 16199547; PubMed 10712197; PubMed 23913538; PubMed 31533651.